The following is an entry in ClinVar:

NM_017654.4(SAMD9):c.4655C>G (p.Pro1552Arg)

Gene: SAMD9 (sterile alpha motif domain containing 9; minus strand). Cytogenetic location: 7q21.2.
Variant type: single nucleotide variant.
Coding change: c.4655C>G on transcript NM_017654.4 (MANE Select); coding-DNA position 4655, C replaced by G.
Protein change: p.Pro1552Arg; replaces proline 1552 with arginine.
Molecular consequence: missense variant.
Genome position (GRCh38, 1-based): chr7:93,101,443, G>C on the plus strand (C>G on the coding strand, the complement: SAMD9 is on the minus strand). VCF-style: chr7-93101443-G-C. GRCh37 (hg19) VCF-style: chr7-92730756-G-C.
Other names: c.4655C>G, p.Pro1552Arg (NM_001193307.2); short protein forms P1552R.
Identifiers: ClinVar variation 4863838 (VCV004863838.1).

ClinVar aggregate classification (germline): Uncertain significance (1 of 4 stars; one submission).

Conditions:
Inborn genetic diseases. Identifiers: MedGen C0950123, MeSH D030342.

Submission:

Ambry Genetics
Classification: Uncertain significance for Inborn genetic diseases. Last evaluated: 2026-04-28. Review status: criteria provided, single submitter. Criteria: Ambry Variant Classification Scheme 2023. Collection method: clinical testing. Allele origin: germline.
Comment: The p.P1552R variant (also known as c.4655C>G), located in coding exon 1 of the SAMD9 gene, results from a C to G substitution at nucleotide position 4655. The proline at codon 1552 is replaced by arginine, an amino acid with dissimilar properties. This amino acid position is conserved. In addition, this alteration is predicted to be tolerated by in silico analysis. Based on the available evidence, the clinical significance of this variant remains unclear.